The following is an entry in ClinVar:

NM_017617.5(NOTCH1):c.3039C>G (p.Phe1013Leu)

Gene: NOTCH1 (notch receptor 1; minus strand). Cytogenetic location: 9q34.3.
Variant type: single nucleotide variant.
Coding change: c.3039C>G on transcript NM_017617.5 (MANE Select); coding-DNA position 3039, C replaced by G.
Protein change: p.Phe1013Leu; replaces phenylalanine 1013 with leucine.
Molecular consequence: missense variant.
Genome position (GRCh38, 1-based): chr9:136,509,002, G>C on the plus strand (C>G on the coding strand, the complement: NOTCH1 is on the minus strand). VCF-style: chr9-136509002-G-C. GRCh37 (hg19) VCF-style: chr9-139403454-G-C.
Other names: short protein forms F1013L.
Identifiers: ClinVar variation 3602143 (VCV003602143.1).
Genomic context (GRCh38, chr9:136,509,002, plus strand): 5'-GCCATGCAGGCAGGGCTGTGAGTCGCACTCATTGACATCGTGCTGGCAGTAGCTGCCCGT[G>C]AAGCCGGGTGGACACAGGCAGGTGAACGAGTTGATGCCGTCCACGCAGGTGCCACCGTTG-3'
Protein context (NP_060087.3, residues 1003-1023): NSFTCLCPPG[Phe1013Leu]TGSYCQHDVN

ClinVar aggregate classification (germline): Uncertain significance (1 of 4 stars; one submission).

gnomAD v4.1: 4 of 1,561,392 alleles (0.00026%); highest among the groups gnomAD compares: South Asian, 0.0047%; no homozygotes.

Submission:

GeneDx
Classification: Uncertain significance. Last evaluated: 2024-08-02. Review status: criteria provided, single submitter. Criteria: GeneDx Variant Classification Process June 2021. Collection method: clinical testing. Allele origin: germline. Affected: yes.
Comment: Not observed at significant frequency in large population cohorts (gnomAD); In silico analysis supports that this missense variant has a deleterious effect on protein structure/function; Has not been previously published as pathogenic or benign to our knowledge